The following is an entry in ClinVar:

NM_000092.5(COL4A4):c.3179G>C (p.Gly1060Ala)

Gene: COL4A4 (collagen type IV alpha 4 chain; minus strand). Cytogenetic location: 2q36.3.
Variant type: single nucleotide variant.
Coding change: c.3179G>C on transcript NM_000092.5 (MANE Select); coding-DNA position 3179, G replaced by C.
Protein change: p.Gly1060Ala; replaces glycine 1060 with alanine.
Molecular consequence: missense variant.
Genome position (GRCh38, 1-based): chr2:227,050,103, C>G on the plus strand (G>C on the coding strand, the complement: COL4A4 is on the minus strand). VCF-style: chr2-227050103-C-G. GRCh37 (hg19) VCF-style: chr2-227914819-C-G.
Other names: short protein forms G1060A.
Identifiers: ClinVar variation 4817326 (VCV004817326.1).

ClinVar aggregate classification (germline): Likely pathogenic (1 of 4 stars; one submission).

Conditions:
Alport syndrome. Also called: Hemorrhagic familial nephritis; Hemorrhagic hereditary nephritis; Congenital hereditary hematuria. Identifiers: Orphanet 63, MedGen C1567741, MONDO:0018965.

Submission:

Natera, Inc.
Classification: Likely pathogenic for Alport syndrome. Last evaluated: 2025-09-04. Review status: criteria provided, single submitter. Criteria: Natera Variant Classification Schema (03/2026). Collection method: clinical testing. Allele origin: germline.
Comment: The c.3179G>C variant in COL4A4 is a missense variant predicted to cause substitution of glycine to alanine at amino acid 1060. This variant is rare in the general population with a frequency below the threshold expected for the associated phenotype(s). This variant is located in a functionally critical region of the protein. Computational prediction algorithms indicate this variant is likely to affect gene or protein function. Given the available evidence, this variant is classified as Likely Pathogenic.